The following is an entry in ClinVar:

NM_003036.4(SKI):c.2159G>A (p.Ser720Asn)

Gene: SKI (SKI proto-oncogene; plus strand). Cytogenetic location: 1p36.32.
Variant type: single nucleotide variant.
Coding change: c.2159G>A on transcript NM_003036.4 (MANE Select); coding-DNA position 2159, G replaced by A.
Protein change: p.Ser720Asn; replaces serine 720 with asparagine.
Molecular consequence: missense variant.
Genome position (GRCh38, 1-based): chr1:2,306,737, G>A. VCF-style: chr1-2306737-G-A. GRCh37 (hg19) VCF-style: chr1-2238176-G-A.
Other names: short protein forms S720N.
Identifiers: ClinVar variation 4165722 (VCV004165722.1).

ClinVar aggregate classification (germline): Uncertain significance (1 of 4 stars; one submission).

Conditions:
Familial thoracic aortic aneurysm and aortic dissection (TAAD). Also called: Thoracic aortic aneurysms and dissections. Identifiers: Orphanet 91387, MedGen C4707243, MONDO:0019625.

Submission:

Ambry Genetics
Classification: Uncertain significance for Familial thoracic aortic aneurysm and aortic dissection. Last evaluated: 2025-08-28. Review status: criteria provided, single submitter. Criteria: Ambry Variant Classification Scheme 2023. Collection method: clinical testing. Allele origin: germline.
Comment: The p.S720N variant (also known as c.2159G>A), located in coding exon 7 of the SKI gene, results from a G to A substitution at nucleotide position 2159. The serine at codon 720 is replaced by asparagine, an amino acid with highly similar properties. This amino acid position is conserved. In addition, this alteration is predicted to be tolerated by in silico analysis. Based on the available evidence, the clinical significance of this variant remains unclear.